The following is an entry in ClinVar:

NM_007118.4(TRIO):c.2611G>A (p.Asp871Asn)

Gene: TRIO (trio Rho guanine nucleotide exchange factor; plus strand). Cytogenetic location: 5p15.2.
Variant type: single nucleotide variant.
Coding change: c.2611G>A on transcript NM_007118.4 (MANE Select); coding-DNA position 2611, G replaced by A.
Protein change: p.Asp871Asn; replaces aspartic acid 871 with asparagine.
Molecular consequence: missense variant. On other transcripts: non-coding transcript variant (1).
Genome position (GRCh38, 1-based): chr5:14,364,673, G>A. VCF-style: chr5-14364673-G-A. GRCh37 (hg19) VCF-style: chr5-14364782-G-A.
Other names: short protein forms D871N.
Identifiers: ClinVar variation 4689921 (VCV004689921.1).

ClinVar aggregate classification (germline): Uncertain significance (1 of 4 stars; one submission).

Submission:

GeneDx
Classification: Uncertain significance. Last evaluated: 2025-07-29. Review status: criteria provided, single submitter. Criteria: GeneDx Variant Classification Process June 2021. Collection method: clinical testing. Allele origin: germline. Affected: yes.
Comment: Not observed at significant frequency in large population cohorts (gnomAD); In silico analysis supports that this missense variant has a deleterious effect on protein structure/function; Has not been previously published as pathogenic or benign to our knowledge